The following is an entry in ClinVar:

ClinVar aggregate classification (germline): Uncertain significance (1 of 4 stars; one submission).

Conditions:
Hereditary cancer-predisposing syndrome. Also called: Neoplastic Syndromes, Hereditary; Hereditary Cancer Syndrome; Tumor predisposition; Hereditary neoplastic syndrome. Identifiers: Orphanet 140162, MedGen C0027672, MeSH D009386, MONDO:0015356.

Submission:

Ambry Genetics
Classification: Uncertain significance for Hereditary cancer-predisposing syndrome. Last evaluated: 2022-12-09. Review status: criteria provided, single submitter. Criteria: Ambry Variant Classification Scheme 2023. Collection method: clinical testing. Allele origin: germline.
Comment: The c.9G>T variant (also known as p.V3V), located in coding exon 1 of the SDHAF2 gene, results from a G to T substitution at nucleotide position 9. This nucleotide substitution does not change the valine at codon 3. This nucleotide position is highly conserved in available vertebrate species. In silico splice site analysis for this alteration is inconclusive. Since supporting evidence is limited at this time, the clinical significance of this alteration remains unclear.

NM_017841.4(SDHAF2):c.9G>T (p.Val3=)

Gene: SDHAF2 (succinate dehydrogenase complex assembly factor 2; plus strand). Cytogenetic location: 11q12.2.
Variant type: single nucleotide variant.
Coding change: c.9G>T on transcript NM_017841.4 (MANE Select); coding-DNA position 9, G replaced by T.
Protein change: p.Val3=; no amino-acid change (valine 3 retained).
Molecular consequence: synonymous variant.
Genome position (GRCh38, 1-based): chr11:61,430,155, G>T. VCF-style: chr11-61430155-G-T. GRCh37 (hg19) VCF-style: chr11-61197627-G-T.
Identifiers: ClinVar variation 2448519 (VCV002448519.2), dbSNP rs2135436159, ClinGen allele CA474519159.